The following is an entry in ClinVar:

NM_001065.4(TNFRSF1A):c.898A>G (p.Thr300Ala)

Gene: TNFRSF1A (TNF receptor superfamily member 1A; minus strand). Cytogenetic location: 12p13.31.
Variant type: single nucleotide variant.
Coding change: c.898A>G on transcript NM_001065.4 (MANE Select); coding-DNA position 898, A replaced by G.
Protein change: p.Thr300Ala; replaces threonine 300 with alanine.
Molecular consequence: missense variant. On other transcripts: non-coding transcript variant (1).
Genome position (GRCh38, 1-based): chr12:6,329,937, T>C on the plus strand (A>G on the coding strand, the complement: TNFRSF1A is on the minus strand). VCF-style: chr12-6329937-T-C. GRCh37 (hg19) VCF-style: chr12-6439103-T-C.
Other names: c.574A>G, p.Thr192Ala (NM_001346091.2); c.439A>G, p.Thr147Ala (NM_001346092.2); short protein forms T147A, T300A, T192A.
Identifiers: ClinVar variation 1973332 (VCV001973332.5), dbSNP rs1948017551, ClinGen allele CA383545941.
Genomic context (GRCh38, chr12:6,329,937, plus strand): 5'-CCTGATAGGGTGGTGCCACCTCTCTGCGGGGAGCCGCAAAGTTGGGACAGTCACCGGGGG[T>C]ATAGGTGGAGCTGGAGGTGAAGGTGGAACTGGGCACGGGACTGAAGCCCAGGGTGGGGGT-3'
Protein context (NP_001056.1, residues 290-310): SSTFTSSSTY[Thr300Ala]PGDCPNFAAP

ClinVar aggregate classification (germline): Uncertain significance (1 of 4 stars; one submission).

Conditions:
TNF receptor-associated periodic fever syndrome (TRAPS) (FPF). Also called: TNF receptor 1-associated periodic fever syndrome; FAMILIAL HIBERNIAN FEVER; TNF RECEPTOR-ASSOCIATED PERIODIC SYNDROME; TUMOR NECROSIS FACTOR RECEPTOR-ASSOCIATED PERIODIC SYNDROME; Autosomal Dominant Familial Periodic Fever; TNF Receptor-Associated Periodic Fever Syndrome. Identifiers: Orphanet 32960, MedGen C1275126, MONDO:0007727, OMIM 142680.

Allele frequency attached by ClinVar (database versions not stated): TOPMed below 0.00001.

Submission:

Labcorp Genetics (formerly Invitae), Labcorp
Classification: Uncertain significance for TNF receptor-associated periodic fever syndrome (TRAPS). Last evaluated: 2021-12-18. Review status: criteria provided, single submitter. Criteria: Invitae Variant Classification Sherloc (09022015). Collection method: clinical testing. Allele origin: germline.
Comment: Advanced modeling of protein sequence and biophysical properties (such as structural, functional, and spatial information, amino acid conservation, physicochemical variation, residue mobility, and thermodynamic stability) performed at Invitae indicates that this missense variant is not expected to disrupt TNFRSF1A protein function. In summary, the available evidence is currently insufficient to determine the role of this variant in disease. Therefore, it has been classified as a Variant of Uncertain Significance. This variant has not been reported in the literature in individuals affected with TNFRSF1A-related conditions. This variant is not present in population databases (gnomAD no frequency). This sequence change replaces threonine, which is neutral and polar, with alanine, which is neutral and non-polar, at codon 300 of the TNFRSF1A protein (p.Thr300Ala).